The following is an entry in ClinVar:

ClinVar aggregate classification (germline): Uncertain significance (1 of 4 stars; one submission).

Submission:

GeneDx
Classification: Uncertain significance. Last evaluated: 2020-01-14. Review status: criteria provided, single submitter. Criteria: GeneDx Variant Classification Process June 2021. Collection method: clinical testing. Allele origin: germline. Affected: yes.
Comment: Not observed in large population cohorts (Lek et al., 2016); Has not been previously published as pathogenic or benign to our knowledge

NM_001080517.3(SETD5):c.3282C>T (p.Ser1094=)

Gene: SETD5 (SET domain containing 5; plus strand). Cytogenetic location: 3p25.3.
Variant type: single nucleotide variant.
Coding change: c.3282C>T on transcript NM_001080517.3 (MANE Select); coding-DNA position 3282, C replaced by T.
Protein change: p.Ser1094=; no amino-acid change (serine 1094 retained).
Molecular consequence: synonymous variant.
Genome position (GRCh38, 1-based): chr3:9,473,322, C>T. VCF-style: chr3-9473322-C-T. GRCh37 (hg19) VCF-style: chr3-9515006-C-T.
Other names: c.2988C>T, p.Ser996= (NM_001292043.2, NM_001349451.2).
Identifiers: ClinVar variation 1302663 (VCV001302663.2), dbSNP rs2125606678, ClinGen allele CA432365755.
Genomic context (GRCh38, chr3:9,473,322, plus strand): 5'-GAAACAAGAAGCTAAGGAAAATTCTGCTGGTGGGGGAGGTGACTCTGCACAGAGCAAAAG[C>T]AAGTCTGCAGGAGCTGGGCAAGGCAGCAGTAACTCCGTTTCCGACACTGGTGCCCATGGT-3'
Protein context (NP_001073986.1, residues 1084-1104): GGGGDSAQSK[Ser1094=]KSAGAGQGSS